The following is an entry in ClinVar:

ClinVar aggregate classification (germline): Pathogenic. Review status: criteria provided, multiple submitters, no conflicts (2 of 4 stars). 12 submissions from 12 submitters: Pathogenic (9). 3 of the submissions do not count toward it. Last evaluated 2026-01-20.

Conditions:
CACNA1F-related disorder. Also called: CACNA1F-related condition.
Retinal dystrophy. Also called: Inherited retinal dystrophy. Identifiers: Orphanet 71862, MedGen C0854723, MeSH D058499, MONDO:0019118, HP:0000556.
Congenital stationary night blindness 2A (CSNB2A). Also called: NIGHT BLINDNESS, CONGENITAL STATIONARY, TYPE 2; CSNB, INCOMPLETE, X-LINKED; Night blindness, congenital stationary (incomplete), 2A, X-linked; CACNA1F-Related X-Linked Congenital Stationary Night Blindness. Identifiers: Orphanet 215, MedGen C1848172, MONDO:0010241, OMIM 300071.

Submissions (12):

Labcorp Genetics (formerly Invitae), Labcorp
Classification: Pathogenic. Last evaluated: 2026-01-20. Review status: criteria provided, single submitter. Criteria: Invitae Variant Classification Sherloc (09022015). Collection method: clinical testing. Allele origin: germline.
Comment: This sequence change creates a premature translational stop signal (p.Leu1056Profs*11) in the CACNA1F gene. It is expected to result in an absent or disrupted protein product. Loss-of-function variants in CACNA1F are known to be pathogenic (PMID: 9662399, 11281458, 17525176, 22194652, 24124559, 26992781). This variant is not present in population databases (gnomAD no frequency). This premature translational stop signal has been observed in individual(s) with X-linked congenital stationary night blindness (PMID: 9662399, 9662400, 10900517). It is commonly reported in individuals of Mennonite ancestry (PMID: 9662399, 9662400, 10900517). This variant is also known as 3133inC, Leu991insC, and Leu1056insC. ClinVar contains an entry for this variant (Variation ID: 21443). For these reasons, this variant has been classified as Pathogenic.

Blueprint Genetics
Classification: Pathogenic for CACNA1F-related disorders. Last evaluated: 2024-11-28. Review status: criteria provided, single submitter. Criteria: ACMG Guidelines, 2015. Collection method: clinical testing. Allele origin: germline. Affected: yes. Observed: 5 variant alleles.

Institute of Human Genetics, University of Leipzig Medical Center
Classification: Pathogenic for Congenital stationary night blindness 2A. Last evaluated: 2024-09-30. Review status: criteria provided, single submitter. Criteria: ACMG Guidelines, 2015. Collection method: clinical testing. Allele origin: maternal. Inheritance: X-linked dominant inheritance. Affected: yes.
Comment: Criteria applied: PVS1,PS4_MOD,PM2

PreventionGenetics, part of Exact Sciences
Classification: Pathogenic for CACNA1F-related condition. Last evaluated: 2023-05-02. Review status: criteria provided, single submitter. Criteria: ACMG Guidelines, 2015. Collection method: clinical testing. Allele origin: germline.
Comment: The CACNA1F c.3166dupC variant is predicted to result in a frameshift and premature protein termination (p.Leu1056Profs*11). This variant has been reported in multiple individuals with congenital stationary night blindness (see for example Vincent and Héon et al. 2012. PubMed ID: 22744390; reported as c.3133insC in Strom et al. 1998. PubMed ID: 9662399). Frameshift variants in CACNA1F are expected to be pathogenic and this variant has been classified as pathogenic by multiple independent submitters to the ClinVar database. Given all the evidence, we interpret c.3166dup (p.Leu1056Profs*11) as pathogenic.

MGZ Medical Genetics Center
Classification: Pathogenic for Congenital stationary night blindness 2A. Last evaluated: 2022-06-08. Review status: criteria provided, single submitter. Criteria: ACMG Guidelines, 2015. Collection method: clinical testing. Allele origin: germline. Affected: yes. Observed: 1 variant allele.
Comment: ACMG criteria applied: PVS1, PP1_STR, PS4_MOD, PM3, PM2_SUP

GeneDx
Classification: Pathogenic. Last evaluated: 2022-02-01. Review status: criteria provided, single submitter. Criteria: GeneDx Variant Classification Process June 2021. Collection method: clinical testing. Allele origin: germline. Affected: yes.
Comment: Frameshift variant predicted to result in protein truncation or nonsense mediated decay in a gene for which loss-of-function is a known mechanism of disease; Common pathogenic variant among individuals of Dutch-German Mennonite background (Bech-Hansen et al., 1998); Not observed at significant frequency in large population cohorts (gnomAD); Also known as L991insC using alternate nomenclature; This variant is associated with the following publications: (PMID: 9662399, 28162000, 10900517, 18348259, 22744390, 33668843, 20301423, 9662400)

Institute of Medical Genetics and Applied Genomics, University Hospital Tübingen
Classification: Pathogenic. Last evaluated: 2020-10-23. Review status: criteria provided, single submitter. Criteria: ACMG Guidelines, 2015. Collection method: clinical testing. Allele origin: germline. Inheritance: X-linked recessive inheritance. Affected: yes.

CeGaT Center for Human Genetics Tuebingen
Classification: Pathogenic. Last evaluated: 2019-05-01. Review status: criteria provided, single submitter. Criteria: CeGaT Center For Human Genetics Tuebingen Variant Classification Criteria Version 2. Collection method: clinical testing. Allele origin: germline. Affected: yes. Observed: 1 variant allele.

Eurofins Ntd Llc (ga)
Classification: Pathogenic. Last evaluated: 2015-09-02. Review status: criteria provided, single submitter. Criteria: EGL Classification Definitions. Collection method: clinical testing. Allele origin: germline. Observed: 2 variant alleles, 2 hemizygotes.

Institute of Human Genetics, Univ. Regensburg, Univ. Regensburg
Classification: Pathogenic for Retinal dystrophy. Last evaluated: 2021-01-01. Review status: no assertion criteria provided. Criteria: ACMG Guidelines, 2015. Collection method: clinical testing. Allele origin: germline. Affected: yes. Not counted in ClinVar's aggregate classification.

GeneReviews
Classification: Pathogenic for Congenital Stationary Night Blindness, X-Linked. Last evaluated: 2012-04-26. Review status: no assertion criteria provided. Collection method: curation. Allele origin: unknown. Not counted in ClinVar's aggregate classification.
ClinVar note: Converted during submission from pathologic to Pathogenic.

OMIM
Classification: Pathogenic for NIGHT BLINDNESS, CONGENITAL STATIONARY, TYPE 2A. Last evaluated: 1998-07-01. Review status: no assertion criteria provided. Collection method: literature only. Allele origin: germline. Not counted in ClinVar's aggregate classification.

Literature cited by the submitters: PubMed 9662399 (cited by Labcorp Genetics (formerly Invitae), Labcorp and Eurofins Ntd Llc (ga)); PubMed 11281458 (cited by Labcorp Genetics (formerly Invitae), Labcorp); PubMed 17525176 (cited by Labcorp Genetics (formerly Invitae), Labcorp); PubMed 22194652 (cited by Labcorp Genetics (formerly Invitae), Labcorp); PubMed 24124559 (cited by Labcorp Genetics (formerly Invitae), Labcorp); PubMed 26992781 (cited by Labcorp Genetics (formerly Invitae), Labcorp); PubMed 9662400 (cited by Labcorp Genetics (formerly Invitae), Labcorp and OMIM); PubMed 10900517 (cited by Labcorp Genetics (formerly Invitae), Labcorp); PubMed 9529339 (cited by OMIM).

NM_001256789.3(CACNA1F):c.3133dup (p.Leu1045fs)

Gene: CACNA1F (calcium voltage-gated channel subunit alpha1 F; minus strand). Cytogenetic location: Xp11.23.
Variant type: Duplication.
Coding change: c.3133dup on transcript NM_001256789.3 (MANE Select); coding-DNA position 3133, one base duplicated (C; older notation c.3133dupC).
Protein change: p.Leu1045fs; shifts the reading frame from leucine 1045.
Molecular consequence: frameshift variant.
Genome position (GRCh38, 1-based): chrX:49,216,485, G duplicated on the plus strand (C on the coding strand, the reverse complement: CACNA1F is on the minus strand); the first of 4 consecutive G bases (chrX:49,216,485-49,216,488); duplicating any one gives the same sequence. VCF-style (leftmost placement, unchanged base first): chrX-49216484-A-AG. GRCh37 (hg19) VCF-style: chrX-49072944-A-AG.
Other names: c.2971dup, p.Leu991fs (NM_001256790.3); c.3166dup, p.Leu1056fs (NM_005183.4); c.3167_3168dupC (NM_005183.2); c.3166dupC (NM_005183.2, NM_005183.3); short protein forms L1056fs, L991fs, L1045fs.
Identifiers: ClinVar variation 21443 (VCV000021443.65), dbSNP rs80359870, ClinGen allele CA342081.
Genomic context (GRCh38, chrX:49,216,484, plus strand): 5'-ATGGCTGAAAGGACATTGTCAAAGTTGAAATCACTGTTGACCCAGAGCCGCTCCCGGACC[A>AG]GGGGCCGTGACACGTCTCCATCTGGGTATACCAGGAAGGAGCCCCTGTGGATGTGCAAAC-3'